The following is an entry in ClinVar:

ClinVar aggregate classification (germline): Conflicting classifications of pathogenicity. Review status: criteria provided, conflicting classifications (1 of 4 stars). 3 submissions from 3 submitters: Uncertain significance (1); Likely benign (1). 1 of the submissions does not count toward it. Last evaluated 2025-11-19.

Conditions:
PCDH15-related disorder. Also called: PCDH15-related condition; PCDH15-related disorders.
Usher syndrome type 1 (USH1). Also called: RETINITIS PIGMENTOSA AND CONGENITAL DEAFNESS. Identifiers: Orphanet 231169, Orphanet 886, MedGen C1568247, MONDO:0010168, OMIM 276900.

Allele frequency attached by ClinVar (database versions not stated): gnomAD 0.00001; TOPMed 0.00002; ExAC 0.00002.
gnomAD v4.1: 17 of 1,612,024 alleles (0.0011%); highest among the groups gnomAD compares: Admixed American, 0.0067%; no homozygotes.

Submissions (3):

Labcorp Genetics (formerly Invitae), Labcorp
Classification: Likely benign. Last evaluated: 2025-11-19. Review status: criteria provided, single submitter. Criteria: Invitae Variant Classification Sherloc (09022015). Collection method: clinical testing. Allele origin: germline.

Illumina Laboratory Services, Illumina
Classification: Uncertain significance for Usher syndrome type 1. Last evaluated: 2018-01-12. Review status: criteria provided, single submitter. Criteria: ICSL Variant Classification Criteria 13 December 2019. Collection method: clinical testing. Allele origin: germline.

PreventionGenetics, part of Exact Sciences
Classification: Likely benign for PCDH15-related condition. Last evaluated: 2020-02-19. Review status: no assertion criteria provided. Collection method: clinical testing. Allele origin: germline. Not counted in ClinVar's aggregate classification.
Comment: This variant is classified as likely benign based on ACMG/AMP sequence variant interpretation guidelines (Richards et al. 2015 PMID: 25741868, with internal and published modifications).

NM_001384140.1(PCDH15):c.3501+7G>T

Gene: PCDH15 (protocadherin related 15; minus strand). Cytogenetic location: 10q21.1.
Variant type: single nucleotide variant.
Coding change: c.3501+7G>T on transcript NM_001384140.1 (MANE Select); 7 bases into the intron after coding-DNA position 3501, G replaced by T.
Molecular consequence: intron variant.
Genome position (GRCh38, 1-based): chr10:53,903,236, C>A on the plus strand (G>T on the coding strand, the complement: PCDH15 is on the minus strand). VCF-style: chr10-53903236-C-A. GRCh37 (hg19) VCF-style: chr10-55662996-C-A.
Other names: c.3501+7G>T (NM_001142772.2, NM_001142770.3, NM_001142766.2 and 4 more transcripts); c.3516+7G>T (NM_001142771.2, NM_001142763.2); c.3522+7G>T (NM_001354411.2); c.3537+7G>T (NM_001142769.3); c.3435+7G>T (NM_001354404.2, NM_001142773.2, NM_001142768.2); c.3390+7G>T (NM_001142767.2); c.3288+7G>T (NM_001142765.2).
Identifiers: ClinVar variation 300181 (VCV000300181.16), dbSNP rs756402556, ClinGen allele CA5505651.
Genomic context (GRCh38, chr10:53,903,236, plus strand): 5'-GCTTACAGCTTATCTGCAAAACCTGAGCTTTTACTTTAGTTCTGTATATTAACATAATTC[C>A]GCATACCTTCACTCTGAGTACAGAAGTAAACATTCTTGCATCTTCAGATACACCTCCGAT-3'